The following is an entry in ClinVar:

ClinVar aggregate classification (germline): Pathogenic (1 of 4 stars; one submission).

Conditions:
Arrhythmogenic cardiomyopathy with wooly hair and keratoderma. Also called: PALMOPLANTAR KERATODERMA WITH LEFT VENTRICULAR CARDIOMYOPATHY AND WOOLLY HAIR; Carvajal syndrome; Dilated cardiomyopathy with woolly hair and keratoderma; Arrhythmogenic cardiomyopathy with woolly hair and keratoderma. Identifiers: Orphanet 65282, MedGen C1854063, MONDO:0011581, OMIM 605676.
Arrhythmogenic right ventricular dysplasia 8 (ARVD8). Also called: Arrhythmogenic Right Ventricular Dysplasia/Cardiomyopathy 8; ARRHYTHMOGENIC RIGHT VENTRICULAR DYSPLASIA, FAMILIAL, 8; ARRHYTHMOGENIC RIGHT VENTRICULAR CARDIOMYOPATHY 8. Identifiers: MedGen C1843896, MONDO:0011831, OMIM 607450.

gnomAD v4.1: 1 of 1,614,214 alleles (0.000062%); highest among the groups gnomAD compares: South Asian, 0.0011%; no homozygotes.

Submission:

Labcorp Genetics (formerly Invitae), Labcorp
Classification: Pathogenic for Arrhythmogenic cardiomyopathy with wooly hair and keratoderma; Arrhythmogenic right ventricular dysplasia 8. Last evaluated: 2022-10-20. Review status: criteria provided, single submitter. Criteria: Invitae Variant Classification Sherloc (09022015). Collection method: clinical testing. Allele origin: germline.
Comment: For these reasons, this variant has been classified as Pathogenic. This variant has not been reported in the literature in individuals affected with DSP-related conditions. This variant is not present in population databases (gnomAD no frequency). This sequence change creates a premature translational stop signal (p.Gly98*) in the DSP gene. It is expected to result in an absent or disrupted protein product. Loss-of-function variants in DSP are known to be pathogenic (PMID: 20716751, 24503780, 25227139).

Literature cited by the submitters: PubMed 20716751; PubMed 24503780; PubMed 25227139.

NM_004415.4(DSP):c.292G>T (p.Gly98Ter)

Gene: DSP (desmoplakin; plus strand). Cytogenetic location: 6p24.3.
Variant type: single nucleotide variant.
Coding change: c.292G>T on transcript NM_004415.4 (MANE Select); coding-DNA position 292, G replaced by T.
Protein change: p.Gly98Ter; replaces glycine 98 with a stop codon.
Molecular consequence: nonsense.
Genome position (GRCh38, 1-based): chr6:7,558,134, G>T. VCF-style: chr6-7558134-G-T. GRCh37 (hg19) VCF-style: chr6-7558367-G-T.
Other names: c.292G>T, p.Gly98Ter (NM_001008844.3, NM_001319034.2, NM_001406591.1); short protein forms G98*.
Identifiers: ClinVar variation 2940839 (VCV002940839.3), dbSNP rs2533848937, ClinGen allele CA362671139.
Genomic context (GRCh38, chr6:7,558,134, plus strand): 5'-CTGGTAGTATGTGTTTTCCTTCATGTGAGTGTTTTCTTTCAGGAATTGAAGTATGGAGAT[G>T]GAATACAACTGACTCGGAGTCGAGAATTGGATGAGTGTTTTGCCCAGGCCAATGACCAAA-3'